The following is an entry in ClinVar:

NM_006755.2(TALDO1):c.656A>G (p.Lys219Arg)

Genes: TALDO1 (transaldolase 1; plus strand), LOC126861110 (CDK7 strongly-dependent group 2 enhancer GRCh37_chr11:762588-763787; plus strand). Cytogenetic location: 11p15.5.
Variant type: single nucleotide variant.
Coding change: c.656A>G on transcript NM_006755.2 (MANE Select); coding-DNA position 656, A replaced by G.
Protein change: p.Lys219Arg; replaces lysine 219 with arginine.
Molecular consequence: missense variant.
Genome position (GRCh38, 1-based): chr11:763,765, A>G. VCF-style: chr11-763765-A-G. GRCh37 (hg19) VCF-style: chr11-763765-A-G.
Other names: short protein forms K219R.
Identifiers: ClinVar variation 3031477 (VCV003031477.5), dbSNP rs932808360, ClinGen allele CA216964537.

ClinVar aggregate classification (germline): Uncertain significance. Review status: criteria provided, multiple submitters, no conflicts (2 of 4 stars). 3 submissions from 3 submitters: Uncertain significance (2). 1 of the submissions does not count toward it. Last evaluated 2025-08-13.

Conditions:
TALDO1-related disorder. Also called: TALDO1-related condition.
Inborn genetic diseases. Identifiers: MedGen C0950123, MeSH D030342.

Allele frequency attached by ClinVar (database versions not stated): gnomAD exomes 0.00001; gnomAD 0.00003; TOPMed 0.00004.
gnomAD v4.1: 11 of 1,613,904 alleles (0.00068%); highest among the groups gnomAD compares: Admixed American, 0.012%; no homozygotes.

Submissions (3):

Ambry Genetics
Classification: Uncertain significance for Inborn genetic diseases. Last evaluated: 2025-08-13. Review status: criteria provided, single submitter. Criteria: Ambry Variant Classification Scheme 2023. Collection method: clinical testing. Allele origin: germline.

Labcorp Genetics (formerly Invitae), Labcorp
Classification: Uncertain significance. Last evaluated: 2024-12-19. Review status: criteria provided, single submitter. Criteria: Invitae Variant Classification Sherloc (09022015). Collection method: clinical testing. Allele origin: germline.
Comment: This sequence change replaces lysine, which is basic and polar, with arginine, which is basic and polar, at codon 219 of the TALDO1 protein (p.Lys219Arg). This variant is present in population databases (no rsID available, gnomAD 0.006%). This variant has not been reported in the literature in individuals affected with TALDO1-related conditions. ClinVar contains an entry for this variant (Variation ID: 3031477). Invitae Evidence Modeling of protein sequence and biophysical properties (such as structural, functional, and spatial information, amino acid conservation, physicochemical variation, residue mobility, and thermodynamic stability) indicates that this missense variant is not expected to disrupt TALDO1 protein function with a negative predictive value of 80%. In summary, the available evidence is currently insufficient to determine the role of this variant in disease. Therefore, it has been classified as a Variant of Uncertain Significance.

PreventionGenetics, part of Exact Sciences
Classification: Uncertain significance for TALDO1-related condition. Last evaluated: 2023-11-10. Review status: no assertion criteria provided. Collection method: clinical testing. Allele origin: germline. Not counted in ClinVar's aggregate classification.
Comment: The TALDO1 c.656A>G variant is predicted to result in the amino acid substitution p.Lys219Arg. To our knowledge, this variant has not been reported in the literature. This variant is reported in 0.0056% of alleles in individuals of Latino descent in gnomAD. At this time, the clinical significance of this variant is uncertain due to the absence of conclusive functional and genetic evidence.